The following is an entry in ClinVar:

NM_001009944.3(PKD1):c.9894_9895dup (p.Tyr3299fs)

Gene: PKD1 (polycystin 1, transient receptor potential channel interacting; minus strand). Cytogenetic location: 16p13.3.
Variant type: Duplication.
Coding change: c.9894_9895dup on transcript NM_001009944.3 (MANE Select); coding-DNA positions 9894 to 9895, 2 bases duplicated (GT; older notation c.9894_9895dupGT).
Protein change: p.Tyr3299fs; shifts the reading frame from tyrosine 3299.
Molecular consequence: frameshift variant.
Genome position (GRCh38, 1-based): chr16:2,099,889-2,099,890, AC duplicated on the plus strand (GT on the coding strand, the reverse complement: PKD1 is on the minus strand). VCF-style (leftmost placement, unchanged base first): chr16-2099888-T-TAC. GRCh37 (hg19) VCF-style: chr16-2149889-T-TAC.
Other names: c.9894_9895dupGT (NM_001009944.2); c.9894_9895dup, p.Tyr3299fs (NM_000296.4); short protein forms Y3299fs.
Identifiers: ClinVar variation 4996154 (VCV004996154.1).

ClinVar aggregate classification (germline): Likely pathogenic (1 of 4 stars; one submission).

Conditions:
PKD1-related disorder. Also called: PKD1-related condition.

Submission:

PreventionGenetics, part of Exact Sciences
Classification: Likely pathogenic for PKD1-related condition. Last evaluated: 2026-07-26. Review status: criteria provided, single submitter. Criteria: ACMG Guidelines, 2015. Collection method: clinical testing. Allele origin: germline.
Comment: The PKD1 c.9894_9895dupGT variant is predicted to result in a frameshift and premature protein termination (p.Tyr3299Cysfs*18). To our knowledge, this variant has not been reported in the literature or in a large population database (gnomAD), indicating this variant is rare. Frameshift variants in PKD1 are expected to be pathogenic. This variant is interpreted as likely pathogenic.